The following is an entry in ClinVar:

ClinVar aggregate classification (germline): Uncertain significance (1 of 4 stars; one submission).

Conditions:
Autosomal recessive nonsyndromic hearing loss 12. Also called: DEAFNESS, AUTOSOMAL RECESSIVE 12. Identifiers: Orphanet 90636, MedGen C1832394, MONDO:0011067, OMIM 601386.

Submission:

Neuberg Centre For Genomic Medicine, NCGM
Classification: Uncertain significance for Autosomal recessive nonsyndromic hearing loss 12. Last evaluated: 2023-06-22. Review status: criteria provided, single submitter. Criteria: ACMG Guidelines, 2015. Collection method: clinical testing. Allele origin: germline. Inheritance: Autosomal recessive inheritance. Affected: yes.
Comment: The observed missense c.5266G>A(p.Glu1756Lys) variant in CDH23 gene has not been reported previously as a pathogenic variant nor as a benign variant, to our knowledge. This variant is absent in gnomAD Exomes. The amino acid Glu at position 1756 is changed to a Lys changing protein sequence and it might alter its composition and physico-chemical properties. The amino acid change p.Glu1756Lys in CDH23 is predicted as conserved by GERP++ and PhyloP across 100 vertebrates. Computational evidence (Polyphen - Damaging, SIFT - Tolerated, and MutationTaster - Disease causing) predicts conflicting evidence on protein structure and function for this variant. For these reasons, this variant has been classified as Uncertain Significance.

NM_022124.6(CDH23):c.5266G>A (p.Glu1756Lys)

Gene: CDH23 (cadherin related 23; plus strand). Cytogenetic location: 10q22.1.
Variant type: single nucleotide variant.
Coding change: c.5266G>A on transcript NM_022124.6 (MANE Select); coding-DNA position 5266, G replaced by A.
Protein change: p.Glu1756Lys; replaces glutamic acid 1756 with lysine.
Molecular consequence: missense variant.
Genome position (GRCh38, 1-based): chr10:71,779,345, G>A. VCF-style: chr10-71779345-G-A. GRCh37 (hg19) VCF-style: chr10-73539102-G-A.
Other names: short protein forms E1756K.
Identifiers: ClinVar variation 3731354 (VCV003731354.1).
Genomic context (GRCh38, chr10:71,779,345, plus strand): 5'-GACATCAACGACAATGTGCCTACCTTCCCCCGGGACTATGAGGGACCATTTGAAGTCACT[G>A]AGGGCCAGCCGGGGCCCAGAGTGTGGACCTTCCTGGCCCATGACCGAGACTCAGGACCCA-3'
Protein context (NP_071407.4, residues 1746-1766): RDYEGPFEVT[Glu1756Lys]GQPGPRVWTF